The following is an entry in ClinVar:

NM_031889.3(ENAM):c.*1799T>C

Gene: ENAM (enamelin; plus strand). Cytogenetic location: 4q13.3.
Variant type: single nucleotide variant.
Coding change: c.*1799T>C on transcript NM_031889.3 (MANE Select); 1799 bases downstream of the stop codon, T replaced by C.
Molecular consequence: 3 prime UTR variant.
Genome position (GRCh38, 1-based): chr4:70,646,654, T>C. VCF-style: chr4-70646654-T-C. GRCh37 (hg19) VCF-style: chr4-71512371-T-C.
Other names: c.*1799T>C (NM_001368133.1).
Identifiers: ClinVar variation 349527 (VCV000349527.5), dbSNP rs1055660, ClinGen allele CA10621638.

ClinVar aggregate classification (germline): Benign (1 of 4 stars; one submission).

Conditions:
Amelogenesis imperfecta (AI). Also called: Congenital enamel hypoplasia. Identifiers: Orphanet 88661, MedGen C0002452, MONDO:0019507, HP:0000705.

Allele frequency attached by ClinVar (database versions not stated): gnomAD 0.03709 and 0.03953; TOPMed 0.04161; 1000 Genomes Project 0.04353; 1000 Genomes Project 30x 0.04560.

Submission:

Illumina Laboratory Services, Illumina
Classification: Benign for Amelogenesis imperfecta. Last evaluated: 2018-01-12. Review status: criteria provided, single submitter. Criteria: ICSL Variant Classification Criteria 13 December 2019. Collection method: clinical testing. Allele origin: germline.
Comment: This variant was observed in the ICSL laboratory as part of a predisposition screen in an ostensibly healthy population. It had not been previously curated by ICSL or reported in the Human Gene Mutation Database (HGMD: prior to June 1st, 2018), and was therefore a candidate for classification through an automated scoring system. Utilizing variant allele frequency, disease prevalence and penetrance estimates, and inheritance mode, an automated score was calculated to assess if this variant is too frequent to cause the disease. Based on the score and internal cut-off values, a variant classified as benign is not then subjected to further curation. The score for this variant resulted in a classification of benign for this disease.